The following is an entry in ClinVar:

NM_004628.5(XPC):c.2474G>A (p.Trp825Ter)

Gene: XPC (XPC complex subunit, DNA damage recognition and repair factor; minus strand). Cytogenetic location: 3p25.1.
Variant type: single nucleotide variant.
Coding change: c.2474G>A on transcript NM_004628.5 (MANE Select); coding-DNA position 2474, G replaced by A.
Protein change: p.Trp825Ter; replaces tryptophan 825 with a stop codon.
Molecular consequence: nonsense. On other transcripts: non-coding transcript variant (2).
Genome position (GRCh38, 1-based): chr3:14,147,948, C>T on the plus strand (G>A on the coding strand, the complement: XPC is on the minus strand). VCF-style: chr3-14147948-C-T. GRCh37 (hg19) VCF-style: chr3-14189448-C-T.
Other names: c.1895G>A, p.Trp632Ter (NM_001354726.2); c.2468G>A, p.Trp823Ter (NM_001354727.2); c.2456G>A, p.Trp819Ter (NM_001354729.2); c.2228G>A, p.Trp743Ter (NM_001354730.2); short protein forms W743*, W825*, W819*, W823*, W632*.
Identifiers: ClinVar variation 1968545 (VCV001968545.5), dbSNP rs2470222613, ClinGen allele CA351537514.

ClinVar aggregate classification (germline): Pathogenic (1 of 4 stars; one submission).

Submission:

Labcorp Genetics (formerly Invitae), Labcorp
Classification: Pathogenic. Last evaluated: 2022-03-24. Review status: criteria provided, single submitter. Criteria: Invitae Variant Classification Sherloc (09022015). Collection method: clinical testing. Allele origin: germline.
Comment: For these reasons, this variant has been classified as Pathogenic. This variant has not been reported in the literature in individuals affected with XPC-related conditions. This variant is not present in population databases (gnomAD no frequency). This sequence change creates a premature translational stop signal (p.Trp825*) in the XPC gene. It is expected to result in an absent or disrupted protein product. Loss-of-function variants in XPC are known to be pathogenic (PMID: 23173980, 25256075).

Literature cited by the submitters: PubMed 23173980; PubMed 25256075.